The following is an entry in ClinVar:

NM_000501.4(ELN):c.2032G>A (p.Gly678Ser)

Gene: ELN (elastin; plus strand). Cytogenetic location: 7q11.23.
Variant type: single nucleotide variant.
Coding change: c.2032G>A on transcript NM_000501.4 (MANE Select); coding-DNA position 2032, G replaced by A.
Protein change: p.Gly678Ser; replaces glycine 678 with serine.
Molecular consequence: missense variant.
Genome position (GRCh38, 1-based): chr7:74,065,732, G>A. VCF-style: chr7-74065732-G-A. GRCh37 (hg19) VCF-style: chr7-73480062-G-A.
Other names: p.G678S:GGT>AGT; c.1945G>A, p.Gly649Arg (NM_001081752.3); c.1990G>A, p.Gly664Arg (NM_001081753.3); c.2047G>A, p.Gly683Arg (NM_001081754.3); c.1975G>A, p.Gly659Ser (NM_001081755.3); c.2032G>A, p.Gly678Arg (NM_001278912.2); c.1789G>A, p.Gly597Ser (NM_001278913.2); c.1960G>A, p.Gly654Ser (NM_001278914.2); and 6 more; short protein forms G678S, G668S, G630R, G659S, G683R, G684S, G649R, G740S.
Identifiers: ClinVar variation 213183 (VCV000213183.15), dbSNP rs375579231, ClinGen allele CA321726.

ClinVar aggregate classification (germline): Uncertain significance. Review status: criteria provided, multiple submitters, no conflicts (2 of 4 stars). 3 submissions from 3 submitters: Uncertain significance (3). Last evaluated 2026-01-18.

Conditions:
Supravalvar aortic stenosis (SVAS). Also called: Supravalvar aortic stenosis, Eisenberg type. Identifiers: Orphanet 3193, MedGen C0003499, MONDO:0008504, OMIM 185500, HP:0004381.
Cutis laxa, autosomal dominant 1 (ADCL1). Also called: ELN-Related Cutis Laxa. Identifiers: Orphanet 90348, MedGen C3276539, MONDO:0007411, OMIM 123700. Disease mechanism: Dominant Negative.

Allele frequency attached by ClinVar (database versions not stated): ExAC 0.00005; gnomAD exomes 0.00005 and 0.00006; gnomAD 0.00006 and 0.00009; TOPMed 0.00006; ESP Exome Variant Server 0.00008.
gnomAD v4.1: 102 of 1,613,736 alleles (0.0063%); highest among the groups gnomAD compares: South Asian, 0.032%; no homozygotes.

Submissions (3):

Labcorp Genetics (formerly Invitae), Labcorp
Classification: Uncertain significance for Supravalvar aortic stenosis. Last evaluated: 2026-01-18. Review status: criteria provided, single submitter. Criteria: Invitae Variant Classification Sherloc (09022015). Collection method: clinical testing. Allele origin: germline.
Comment: This sequence change replaces glycine, which is neutral and non-polar, with serine, which is neutral and polar, at codon 740 of the ELN protein (p.Gly740Ser). This variant also falls at the last nucleotide of exon 31, which is part of the consensus splice site for this exon. This variant is present in population databases (rs375579231, gnomAD 0.02%). This missense change has been observed in individual(s) with tetralogy of Fallot (PMID: 39402625). ClinVar contains an entry for this variant (Variation ID: 213183). Experimental studies and prediction algorithms are not available or were not evaluated, and the functional significance of this variant is currently unknown. Variants that disrupt the consensus splice site are a relatively common cause of aberrant splicing (PMID: 17576681, 9536098). Algorithms developed to predict the effect of sequence changes on RNA splicing suggest that this variant may disrupt the consensus splice site. In summary, the available evidence is currently insufficient to determine the role of this variant in disease. Therefore, it has been classified as a Variant of Uncertain Significance.

Fulgent Genetics
Classification: Uncertain significance for Cutis laxa, autosomal dominant 1; Supravalvar aortic stenosis. Last evaluated: 2024-04-01. Review status: criteria provided, single submitter. Criteria: ACMG Guidelines, 2015. Collection method: clinical testing. Allele origin: germline.

GeneDx
Classification: Uncertain significance. Last evaluated: 2023-01-27. Review status: criteria provided, single submitter. Criteria: GeneDx Variant Classification Process June 2021. Collection method: clinical testing. Allele origin: germline. Affected: yes.
Comment: Has not been previously published as pathogenic or benign to our knowledge; In silico analysis supports that this missense variant has a deleterious effect on protein structure/function

Literature cited by the submitters: PubMed 39402625 (cited by Labcorp Genetics (formerly Invitae), Labcorp); PubMed 17576681 (cited by Labcorp Genetics (formerly Invitae), Labcorp); PubMed 9536098 (cited by Labcorp Genetics (formerly Invitae), Labcorp).